The following is an entry in ClinVar:

ClinVar aggregate classification (germline): Uncertain significance (1 of 4 stars; one submission).

Conditions:
Atypical hemolytic-uremic syndrome. Identifiers: Orphanet 2134, MedGen C2931788, MONDO:0016244.

gnomAD v4.1: 4 of 1,611,862 alleles (0.00025%); highest among the groups gnomAD compares: East Asian, 0.0022%; no homozygotes.

Submission:

Genomenon, Inc
Classification: Uncertain significance for Atypical hemolytic-uremic syndrome. Last evaluated: 2026-09-17. Review status: criteria provided, single submitter. Criteria: Genomenon Sequence Variant Interpretation Standards - Updated. Collection method: curation. Allele origin: germline. Affected: no.
Comment: CD46 p.Lys285Glu (c.853A>G) is a missense variant that changes the amino acid at codon 285 from lysine to glutamic acid. This variant has been reported in the published literature (PMID:39969315). This variant is located in a mutational hotspot and/or important functional domain. It is absent or not present at a significant frequency in gnomAD. In silico models predict that this variant is not damaging. In conclusion, we classify CD46 p.Lys285Glu (c.853A>G) as a variant of uncertain significance.

Literature cited by the submitters: PubMed 39969315.

NM_172351.3(CD46):c.853A>G (p.Lys285Glu)

Gene: CD46 (CD46 molecule; plus strand). Cytogenetic location: 1q32.2.
Variant type: single nucleotide variant.
Coding change: c.853A>G on transcript NM_172351.3 (MANE Select); coding-DNA position 853, A replaced by G.
Protein change: p.Lys285Glu; replaces lysine 285 with glutamic acid.
Molecular consequence: missense variant.
Genome position (GRCh38, 1-based): chr1:207,767,192, A>G. VCF-style: chr1-207767192-A-G. GRCh37 (hg19) VCF-style: chr1-207940537-A-G.
Other names: c.853A>G, p.Lys285Glu (NM_002389.4, NM_153826.4, NM_172350.3 and 8 more transcripts); short protein forms K285E.
Identifiers: ClinVar variation 4976866 (VCV004976866.1).